The following is an entry in ClinVar:

NM_001007792.1(NTRK1):c.33C>A (p.Pro11=)

Genes: INSRR (insulin receptor related receptor; minus strand), NTRK1 (neurotrophic receptor tyrosine kinase 1; plus strand). Cytogenetic location: 1q23.1.
Variant type: single nucleotide variant.
Coding change: c.33C>A on transcript NM_001007792.1; coding-DNA position 33, C replaced by A.
Protein change: p.Pro11=; no amino-acid change (proline 11 retained).
Molecular consequence: synonymous variant. On other transcripts: intron variant (1).
Genome position (GRCh38, 1-based): chr1:156,842,104, C>A. VCF-style: chr1-156842104-C-A. GRCh37 (hg19) VCF-style: chr1-156811896-C-A.
Other names: c.3397+8G>T (NM_014215.3).
Identifiers: ClinVar variation 552224 (VCV000552224.5), dbSNP rs145596747, ClinGen allele CA1167710.

ClinVar aggregate classification (germline): Likely benign. Review status: criteria provided, single submitter (1 of 4 stars). 2 submissions from 2 submitters: Likely benign (1). 1 of the submissions does not count toward it. Last evaluated 2025-11-28.

Conditions:
NTRK1-related disorder. Also called: NTRK1-related condition.
Hereditary insensitivity to pain with anhidrosis (CIPA). Also called: INSENSITIVITY TO PAIN, CONGENITAL, WITH ANHIDROSIS; HSAN Type IV; hereditary sensory and autonomic neuropathy type 4; NTRK1 Congenital Insensitivity to Pain with Anhidrosis; FAMILIAL DYSAUTONOMIA, TYPE II; NEUROPATHY, CONGENITAL SENSORY, WITH ANHIDROSIS. Identifiers: Orphanet 642, MedGen C0020074, MONDO:0009746, OMIM 256800.

Allele frequency attached by ClinVar (database versions not stated): 1000 Genomes Project 0.00080; gnomAD exomes 0.00004; ExAC 0.00007; 1000 Genomes Project 30x 0.00094; gnomAD 0.00006; TOPMed 0.00013.
gnomAD v4.1: 112 of 1,613,972 alleles (0.0069%); highest among the groups gnomAD compares: Admixed American, 0.12%; no homozygotes.

Submissions (2):

PreventionGenetics, part of Exact Sciences
Classification: Likely benign for NTRK1-related condition. Last evaluated: 2025-11-28. Review status: criteria provided, single submitter. Criteria: ACMG Guidelines, 2015. Collection method: clinical testing. Allele origin: germline.
Comment: This variant is classified as likely benign based on ACMG/AMP sequence variant interpretation guidelines (Richards et al. 2015 PMID: 25741868, with internal and published modifications).

Counsyl
Classification: Uncertain significance for Hereditary insensitivity to pain with anhidrosis. Last evaluated: 2017-05-30. Review status: no assertion criteria provided. Collection method: clinical testing. Allele origin: unknown. Not counted in ClinVar's aggregate classification.